The following is an entry in ClinVar:

ClinVar aggregate classification (germline): Uncertain significance (1 of 4 stars; one submission).

Allele frequency attached by ClinVar (database versions not stated): TOPMed 0.00007; gnomAD 0.00009; ExAC 0.00011.
gnomAD v4.1: 87 of 1,613,732 alleles (0.0054%); highest among the groups gnomAD compares: African/African-American, 0.0067%; no homozygotes.

Submission:

Labcorp Genetics (formerly Invitae), Labcorp
Classification: Uncertain significance. Last evaluated: 2025-11-10. Review status: criteria provided, single submitter. Criteria: Invitae Variant Classification Sherloc (09022015). Collection method: clinical testing. Allele origin: germline.
Comment: This sequence change replaces alanine, which is neutral and non-polar, with threonine, which is neutral and polar, at codon 256 of the SPRY4 protein (p.Ala256Thr). This variant is present in population databases (rs761651255, gnomAD 0.01%). This variant has not been reported in the literature in individuals affected with SPRY4-related conditions. ClinVar contains an entry for this variant (Variation ID: 2162627). An algorithm developed to predict the effect of missense changes on protein structure and function (PolyPhen-2) suggests that this variant is likely to be disruptive. In summary, the available evidence is currently insufficient to determine the role of this variant in disease. Therefore, it has been classified as a Variant of Uncertain Significance.

NM_001127496.3(SPRY4):c.697G>A (p.Ala233Thr)

Gene: SPRY4 (sprouty RTK signaling antagonist 4; minus strand). Cytogenetic location: 5q31.3.
Variant type: single nucleotide variant.
Coding change: c.697G>A on transcript NM_001127496.3 (MANE Select); coding-DNA position 697, G replaced by A.
Protein change: p.Ala233Thr; replaces alanine 233 with threonine.
Molecular consequence: missense variant.
Genome position (GRCh38, 1-based): chr5:142,314,412, C>T on the plus strand (G>A on the coding strand, the complement: SPRY4 is on the minus strand). VCF-style: chr5-142314412-C-T. GRCh37 (hg19) VCF-style: chr5-141693977-C-T.
Other names: c.697G>A, p.Ala233Thr (NM_001293289.3, NM_001293290.3); c.766G>A, p.Ala256Thr (NM_030964.5); short protein forms A256T, A233T.
Identifiers: ClinVar variation 2162627 (VCV002162627.4), dbSNP rs761651255, ClinGen allele CA3485488.
Genomic context (GRCh38, chr5:142,314,412, plus strand): 5'-GCAGGTAGCAGAGCAGGCAGGGCAGCACCACGGAGAGAGCACCCATGAAGGACCAGCGGG[C>T]GCAGCAGTTGGAGCGGGAGCAGGAGCAGGGGTGGTCAGCGCAGGAGCCCTCATCGTCCTC-3'
Protein context (NP_001120968.1, residues 223-243): PCSCSRSNCC[Ala233Thr]RWSFMGALSV